The following is an entry in ClinVar:

NM_152703.5(SAMD9L):c.2848T>C (p.Tyr950His)

Gene: SAMD9L (sterile alpha motif domain containing 9 like; minus strand). Cytogenetic location: 7q21.2.
Variant type: single nucleotide variant.
Coding change: c.2848T>C on transcript NM_152703.5 (MANE Select); coding-DNA position 2848, T replaced by C.
Protein change: p.Tyr950His; replaces tyrosine 950 with histidine.
Molecular consequence: missense variant.
Genome position (GRCh38, 1-based): chr7:93,133,124, A>G on the plus strand (T>C on the coding strand, the complement: SAMD9L is on the minus strand). VCF-style: chr7-93133124-A-G. GRCh37 (hg19) VCF-style: chr7-92762437-A-G.
Other names: c.2848T>C, p.Tyr950His (NM_001303496.3, NM_001303497.3, NM_001303498.3 and 5 more transcripts); short protein forms Y950H.
Identifiers: ClinVar variation 3792179 (VCV003792179.1).

ClinVar aggregate classification (germline): Uncertain significance (1 of 4 stars; one submission).

Conditions:
Inborn genetic diseases. Identifiers: MedGen C0950123, MeSH D030342.

Submission:

Ambry Genetics
Classification: Uncertain significance for Inborn genetic diseases. Last evaluated: 2024-12-12. Review status: criteria provided, single submitter. Criteria: Ambry Variant Classification Scheme 2023. Collection method: clinical testing. Allele origin: germline.
Comment: The p.Y950H variant (also known as c.2848T>C), located in coding exon 1 of the SAMD9L gene, results from a T to C substitution at nucleotide position 2848. The tyrosine at codon 950 is replaced by histidine, an amino acid with similar properties. This amino acid position is conserved. In addition, this alteration is predicted to be tolerated by in silico analysis. Based on the available evidence, the clinical significance of this variant remains unclear.